The following is an entry in ClinVar:

ClinVar aggregate classification (germline): Uncertain significance (1 of 4 stars; one submission).

Conditions:
Primary dilated cardiomyopathy (DCM). Also called: Dilated Cardiomyopathy. Identifiers: Orphanet 217604, MedGen C0007193, MeSH D002311, MONDO:0005021, HP:0001644. Inheritance: Various modes of inheritance.

gnomAD v4.1: 12 of 1,577,618 alleles (0.00076%); highest among the groups gnomAD compares: Non-Finnish European, 0.001%; no homozygotes.

Submission:

Labcorp Genetics (formerly Invitae), Labcorp
Classification: Uncertain significance for Primary dilated cardiomyopathy. Last evaluated: 2019-03-06. Review status: criteria provided, single submitter. Criteria: Invitae Variant Classification Sherloc (09022015). Collection method: clinical testing. Allele origin: germline.
Comment: This sequence change replaces alanine with valine at codon 564 of the NEBL protein (p.Ala564Val). The alanine residue is highly conserved and there is a small physicochemical difference between alanine and valine. This variant is not present in population databases (ExAC no frequency). This variant has not been reported in the literature in individuals with NEBL-related conditions. Algorithms developed to predict the effect of missense changes on protein structure and function are either unavailable or do not agree on the potential impact of this missense change (SIFT: "Deleterious"; PolyPhen-2: "Possibly Damaging"; Align-GVGD: "Class C0"). In summary, the available evidence is currently insufficient to determine the role of this variant in disease. Therefore, it has been classified as a Variant of Uncertain Significance.

NM_006393.3(NEBL):c.1691C>T (p.Ala564Val)

Gene: NEBL (nebulette; minus strand). Cytogenetic location: 10p12.31.
Variant type: single nucleotide variant.
Coding change: c.1691C>T on transcript NM_006393.3 (MANE Select); coding-DNA position 1691, C replaced by T.
Protein change: p.Ala564Val; replaces alanine 564 with valine.
Molecular consequence: missense variant. On other transcripts: intron variant (9).
Genome position (GRCh38, 1-based): chr10:20,828,615, G>A on the plus strand (C>T on the coding strand, the complement: NEBL is on the minus strand). VCF-style: chr10-20828615-G-A. GRCh37 (hg19) VCF-style: chr10-21117544-G-A.
Other names: c.250-15675C>T (NM_001377326.1, NM_001377327.1, NM_001377328.1); c.358-15675C>T (NM_213569.2, NM_001173484.2, NM_001377322.1); c.301-15675C>T (NM_001377324.1); c.292-15675C>T (NM_001377325.1); c.310-15675C>T (NM_001377323.1); short protein forms A564V.
Identifiers: ClinVar variation 862526 (VCV000862526.1), dbSNP rs1840109648, ClinGen allele CA376096627.
Genomic context (GRCh38, chr10:20,828,615, plus strand): 5'-TTAATTCTCTGAATTTCAGGAGTATCTGCTATGGTAGAATAGTTAGAAAGCATCTTCTCT[G>A]CTTCATCTTTATACTTTCTCTAAAAACATAAACAGTTAATATAAATCTGAAACTATGTGT-3'
Protein context (NP_006384.1, residues 554-574): IYSQRKYKDE[Ala564Val]EKMLSNYSTI